The following is an entry in ClinVar:

ClinVar aggregate classification (germline): Likely pathogenic. Review status: criteria provided, single submitter (1 of 4 stars). 2 submissions from 2 submitters: Likely pathogenic (1). 1 of the submissions does not count toward it. Last evaluated 2021-12-16.

Conditions:
Cardiomyopathy (CMYO). Also called: Cardiomyopathies. Identifiers: Orphanet 167848, MedGen C0878544, MONDO:0004994, HP:0001638. Inheritance: Various modes of inheritance.

Submissions (2):

CHEO Genetics Diagnostic Laboratory, Children's Hospital of Eastern Ontario
Classification: Likely pathogenic for Cardiomyopathy. Last evaluated: 2021-12-16. Review status: criteria provided, single submitter. Criteria: ACMG Guidelines, 2015. Collection method: clinical testing. Allele origin: germline.

Laboratory for Molecular Medicine, Mass General Brigham Personalized Medicine
Classification: Uncertain significance. Last evaluated: 2014-04-04. Review status: no assertion criteria provided. Collection method: clinical testing. Allele origin: germline. Observed: 7 variant alleles. Not counted in ClinVar's aggregate classification.
Comment: proposed classification - variant undergoing re-assessment, contact laboratory

Literature cited by the submitters: PubMed 18506004 (cited by Laboratory for Molecular Medicine, Mass General Brigham Personalized Medicine); PubMed 16267253 (cited by Laboratory for Molecular Medicine, Mass General Brigham Personalized Medicine); PubMed 17947214 (cited by Laboratory for Molecular Medicine, Mass General Brigham Personalized Medicine).

NM_000257.4(MYH7):c.2246T>A (p.Leu749Gln)

Gene: MYH7 (myosin heavy chain 7; minus strand). Cytogenetic location: 14q11.2.
Variant type: single nucleotide variant.
Coding change: c.2246T>A on transcript NM_000257.4 (MANE Select); coding-DNA position 2246, T replaced by A.
Protein change: p.Leu749Gln; replaces leucine 749 with glutamine.
Molecular consequence: missense variant.
Genome position (GRCh38, 1-based): chr14:23,425,735, A>T on the plus strand (T>A on the coding strand, the complement: MYH7 is on the minus strand). VCF-style: chr14-23425735-A-T. GRCh37 (hg19) VCF-style: chr14-23894944-A-T.
Other names: c.2246T>A (NM_000257.3); short protein forms L749Q.
Identifiers: ClinVar variation 177783 (VCV000177783.7), dbSNP rs727504320, ClinGen allele CA012055.